The following is an entry in ClinVar:

ClinVar aggregate classification (germline): Uncertain significance (1 of 4 stars; one submission).

Conditions:
Hereditary cancer-predisposing syndrome. Also called: Neoplastic Syndromes, Hereditary; Tumor predisposition; Hereditary neoplastic syndrome; Hereditary Cancer Syndrome. Identifiers: Orphanet 140162, MedGen C0027672, MeSH D009386, MONDO:0015356.

Submission:

Ambry Genetics
Classification: Uncertain significance for Hereditary cancer-predisposing syndrome. Last evaluated: 2026-07-07. Review status: criteria provided, single submitter. Criteria: Ambry Variant Classification Scheme 2023. Collection method: clinical testing. Allele origin: germline.
Comment: The p.G99E variant (also known as c.296G>A) is located in coding exon 5 of the MAX gene. The glycine at codon 99 is replaced by glutamic acid, an amino acid with similar properties. This change occurs in the first base pair of coding exon 5. This amino acid position is conserved. In addition, the in silico prediction for this alteration is inconclusive. Based on the available evidence, the clinical significance of this variant remains unclear.

NM_002382.5(MAX):c.295+485G>A

Gene: MAX (MYC associated transcriptional regulator X; minus strand). Cytogenetic location: 14q23.3.
Variant type: single nucleotide variant.
Coding change: c.295+485G>A on transcript NM_002382.5 (MANE Select); 485 bases into the intron after coding-DNA position 295, G replaced by A.
Molecular consequence: intron variant. On other transcripts: missense variant (12), non-coding transcript variant (4), nonsense (6).
Genome position (GRCh38, 1-based): chr14:65,077,428, C>T on the plus strand (G>A on the coding strand, the complement: MAX is on the minus strand). VCF-style: chr14-65077428-C-T. GRCh37 (hg19) VCF-style: chr14-65544146-C-T.
Other names: c.10G>A, p.Gly4Arg (NM_001407111.1, NM_001407112.1); c.296G>A, p.Gly99Glu (NM_145113.3, NM_001407104.1, NM_001407103.1); c.144+16280G>A (NM_001271069.2); c.171+16280G>A (NM_197957.4); c.268+485G>A (NM_001407095.1, NM_145112.3); c.295+485G>A (NM_001407094.1); c.187+485G>A (NM_001407098.1); c.22G>A, p.Gly8Arg (NM_001407105.1, NM_001407106.1, NM_001407107.1 and 1 more transcripts); and 3 more; short protein forms G99E, W117*, W126*, G4R, G8R, G90E.
Identifiers: ClinVar variation 5023947 (VCV005023947.1).